The following is an entry in ClinVar:

ClinVar aggregate classification (germline): Likely benign (1 of 4 stars; one submission).

Allele frequency attached by ClinVar (database versions not stated): 1000 Genomes Project 0.00120; 1000 Genomes Project 30x 0.00141; ExAC 0.00227; gnomAD 0.00249; TOPMed 0.00250; ESP Exome Variant Server 0.00323; gnomAD exomes 0.00379.
gnomAD v4.1: 5,922 of 1,612,256 alleles (0.37%); highest among the groups gnomAD compares: Non-Finnish European, 0.46%; 15 homozygotes.

Submission:

CeGaT Center for Human Genetics Tuebingen
Classification: Likely benign. Last evaluated: 2022-10-01. Review status: criteria provided, single submitter. Criteria: CeGaT Center For Human Genetics Tuebingen Variant Classification Criteria Version 2. Collection method: clinical testing. Allele origin: germline. Affected: yes. Observed: 1 variant allele.
Comment: TMC5: BP4, BS2

NM_001261841.2(TMC5):c.1139G>A (p.Arg380Lys)

Genes: TMC5 (transmembrane channel like 5; plus strand), TMC5-AS1 (TMC5 antisense RNA 1; minus strand). Cytogenetic location: 16p12.3.
Variant type: single nucleotide variant.
Coding change: c.1139G>A on transcript NM_001261841.2 (MANE Select); coding-DNA position 1139, G replaced by A.
Protein change: p.Arg380Lys; replaces arginine 380 with lysine.
Molecular consequence: missense variant.
Genome position (GRCh38, 1-based): chr16:19,460,325, G>A. VCF-style: chr16-19460325-G-A. GRCh37 (hg19) VCF-style: chr16-19471647-G-A.
Other names: c.1139G>A, p.Arg380Lys (NM_001105248.1, NM_001105249.1, NM_001308161.1); c.401G>A, p.Arg134Lys (NM_024780.5); short protein forms R134K, R380K.
Identifiers: ClinVar variation 2646275 (VCV002646275.24), dbSNP rs142366138, ClinGen allele CA7934290.